The following is an entry in ClinVar:

NM_022455.5(NSD1):c.1064-5C>A

Gene: NSD1 (nuclear receptor binding SET domain protein 1; plus strand). Cytogenetic location: 5q35.3.
Variant type: single nucleotide variant.
Coding change: c.1064-5C>A on transcript NM_022455.5 (MANE Select); 5 bases into the intron before coding-DNA position 1064, C replaced by A.
Molecular consequence: intron variant.
Genome position (GRCh38, 1-based): chr5:177,204,115, C>A. VCF-style: chr5-177204115-C-A. GRCh37 (hg19) VCF-style: chr5-176631116-C-A.
Other names: c.1064-5C>A (NM_001409301.1, NM_001409302.1, NM_001409303.1); c.644-5C>A (NM_001409304.1); c.311-5C>A (NM_001409305.1); c.191-5C>A (NM_001409306.1, NM_001409308.1, NM_001409307.1 and 3 more transcripts).
Identifiers: ClinVar variation 588408 (VCV000588408.11), dbSNP rs961502921, ClinGen allele CA808077259.

ClinVar aggregate classification (germline): Conflicting classifications of pathogenicity. Review status: criteria provided, conflicting classifications (1 of 4 stars). 3 submissions from 3 submitters: Uncertain significance (1); Likely benign (2). Last evaluated 2021-07-15.

Conditions:
Sotos syndrome (SOTOS). Also called: CHROMOSOME 5q35 DELETION SYNDROME; CEREBRAL GIGANTISM; Sotos' syndrome; SOTOS SYNDROME 1; Distinctive facial appearance, overgrowth in childhood, and learning disabilities or delayed development. Identifiers: Orphanet 821, MedGen C0175695, MONDO:0019349, OMIM 117550.
Inborn genetic diseases. Identifiers: MedGen C0950123, MeSH D030342.

Allele frequency attached by ClinVar (database versions not stated): TOPMed 0.00001.
gnomAD v4.1: 1 of 1,613,578 alleles (0.000062%); highest among the groups gnomAD compares: Non-Finnish European, 0.000085%; no homozygotes.

Submissions (3):

Genome-Nilou Lab
Classification: Likely benign for Sotos syndrome. Last evaluated: 2021-07-15. Review status: criteria provided, single submitter. Criteria: ACMG Guidelines, 2015. Collection method: clinical testing. Allele origin: germline. Affected: no.

Labcorp Genetics (formerly Invitae), Labcorp
Classification: Likely benign. Last evaluated: 2017-08-11. Review status: criteria provided, single submitter. Criteria: Invitae Variant Classification Sherloc (09022015). Collection method: clinical testing. Allele origin: germline.

Ambry Genetics
Classification: Uncertain significance for Inborn genetic diseases. Last evaluated: 2016-11-03. Review status: criteria provided, single submitter. Criteria: Ambry Variant Classification Scheme 2023. Collection method: clinical testing. Allele origin: germline.
Comment: The c.1064-5C>A intronic variant results from a C to A substitution 5 nucleotides upstream from coding exon 3 in the NSD1 gene. This variant has been detected in conjunction with a likely pathogenic variant in ATRX by our laboratory. This variant was not reported in population based cohorts in the following databases: Database of Single Nucleotide Polymorphisms (dbSNP), NHLBI Exome Sequencing Project (ESP), and 1000 Genomes Project. In the ESP, this variant was not observed in 6503 samples (13006 alleles) with coverage at this position. This nucleotide position is poorly conserved in available vertebrate species. Using the BDGP and ESEfinder splice site prediction tools, this alteration is predicted to weaken the efficiency of the native splice acceptor site; however, direct evidence is unavailable. Since supporting evidence is limited at this time, the clinical significance of this variant remains unclear.